The following is an entry in ClinVar:

NM_001271.4(CHD2):c.5416A>T (p.Arg1806Trp)

Gene: CHD2 (chromodomain helicase DNA binding protein 2; plus strand). Cytogenetic location: 15q26.1.
Variant type: single nucleotide variant.
Coding change: c.5416A>T on transcript NM_001271.4 (MANE Select); coding-DNA position 5416, A replaced by T.
Protein change: p.Arg1806Trp; replaces arginine 1806 with tryptophan.
Molecular consequence: missense variant.
Genome position (GRCh38, 1-based): chr15:93,024,634, A>T. VCF-style: chr15-93024634-A-T. GRCh37 (hg19) VCF-style: chr15-93567864-A-T.
Other names: short protein forms R1806W.
Identifiers: ClinVar variation 1447833 (VCV001447833.8), dbSNP rs12906163, ClinGen allele CA393908734.

ClinVar aggregate classification (germline): Uncertain significance (1 of 4 stars; one submission).

Conditions:
Developmental and epileptic encephalopathy 94 (DEE94). Also called: CHD2-Related Neurodevelopmental Disorders; Epileptic encephalopathy, childhood-onset. Identifiers: Orphanet 1942, Orphanet 2382, MedGen C3809278, MONDO:0014150, OMIM 615369.

gnomAD v4.1: 3 of 1,614,042 alleles (0.00019%); highest among the groups gnomAD compares: Non-Finnish European, 0.00025%; no homozygotes.

Submission:

Labcorp Genetics (formerly Invitae), Labcorp
Classification: Uncertain significance for Developmental and epileptic encephalopathy 94. Last evaluated: 2021-06-01. Review status: criteria provided, single submitter. Criteria: Invitae Variant Classification Sherloc (09022015). Collection method: clinical testing. Allele origin: germline.
Comment: This variant has not been reported in the literature in individuals with CHD2-related conditions. This variant is not present in population databases (ExAC no frequency). This sequence change replaces arginine with tryptophan at codon 1806 of the CHD2 protein (p.Arg1806Trp). The arginine residue is weakly conserved and there is a moderate physicochemical difference between arginine and tryptophan. Advanced modeling of protein sequence and biophysical properties (such as structural, functional, and spatial information, amino acid conservation, physicochemical variation, residue mobility, and thermodynamic stability) performed at Invitae indicates that this missense variant is not expected to disrupt CHD2 protein function. In summary, the available evidence is currently insufficient to determine the role of this variant in disease. Therefore, it has been classified as a Variant of Uncertain Significance.